The following is an entry in ClinVar:

ClinVar aggregate classification (germline): Uncertain significance. Review status: criteria provided, multiple submitters, no conflicts (2 of 4 stars). 3 submissions from 3 submitters: Uncertain significance (3). Last evaluated 2025-05-29.

Conditions:
Hereditary cancer-predisposing syndrome. Also called: Tumor predisposition; Hereditary Cancer Syndrome; Hereditary neoplastic syndrome; Neoplastic Syndromes, Hereditary. Identifiers: Orphanet 140162, MedGen C0027672, MeSH D009386, MONDO:0015356.
Hereditary nonpolyposis colorectal neoplasms. Identifiers: MedGen C0009405, MeSH D003123.

Submissions (3):

Ambry Genetics
Classification: Uncertain significance for Hereditary cancer-predisposing syndrome. Last evaluated: 2025-05-29. Review status: criteria provided, single submitter. Criteria: Ambry Variant Classification Scheme 2023. Collection method: clinical testing. Allele origin: germline.
Comment: The p.S158N variant (also known as c.473G>A), located in coding exon 5 of the PMS2 gene, results from a G to A substitution at nucleotide position 473. The serine at codon 158 is replaced by asparagine, an amino acid with highly similar properties. This amino acid position is well conserved in available vertebrate species. In addition, this alteration is predicted to be tolerated by in silico analysis. Based on the available evidence, the clinical significance of this variant remains unclear.

Labcorp Genetics (formerly Invitae), Labcorp
Classification: Uncertain significance for Hereditary nonpolyposis colorectal neoplasms. Last evaluated: 2025-02-07. Review status: criteria provided, single submitter. Criteria: Invitae Variant Classification Sherloc (09022015). Collection method: clinical testing. Allele origin: germline.
Comment: This sequence change replaces serine, which is neutral and polar, with asparagine, which is neutral and polar, at codon 158 of the PMS2 protein (p.Ser158Asn). This variant is not present in population databases (gnomAD no frequency). This missense change has been observed in individual(s) with a personal and/or family history of breast cancer (PMID: 36315513). ClinVar contains an entry for this variant (Variation ID: 411031). Invitae Evidence Modeling incorporating data from in vitro experimental studies (internal data) indicates that this missense variant is not expected to disrupt PMS2 function with a negative predictive value of 95%. In summary, the available evidence is currently insufficient to determine the role of this variant in disease. Therefore, it has been classified as a Variant of Uncertain Significance.

GeneDx
Classification: Uncertain significance. Last evaluated: 2023-01-19. Review status: criteria provided, single submitter. Criteria: GeneDx Variant Classification Process June 2021. Collection method: clinical testing. Allele origin: germline. Affected: yes.
Comment: Not observed at significant frequency in large population cohorts (gnomAD); In silico analysis supports that this missense variant does not alter protein structure/function; Has not been previously published as pathogenic or benign to our knowledge; This variant is associated with the following publications: (PMID: 11574484, 27397505)

Literature cited by the submitters: PubMed 36315513 (cited by Labcorp Genetics (formerly Invitae), Labcorp).

NM_000535.7(PMS2):c.473G>A (p.Ser158Asn)

Gene: PMS2 (PMS1 homolog 2, mismatch repair system component; minus strand). Cytogenetic location: 7p22.1.
Variant type: single nucleotide variant.
Coding change: c.473G>A on transcript NM_000535.7 (MANE Select); coding-DNA position 473, G replaced by A.
Protein change: p.Ser158Asn; replaces serine 158 with asparagine.
Molecular consequence: missense variant. On other transcripts: 5 prime UTR variant (2), non-coding transcript variant (1).
Genome position (GRCh38, 1-based): chr7:6,002,517, C>T on the plus strand (G>A on the coding strand, the complement: PMS2 is on the minus strand). VCF-style: chr7-6002517-C-T. GRCh37 (hg19) VCF-style: chr7-6042148-C-T.
Other names: c.68G>A, p.Ser23Asn (NM_001322003.2, NM_001322004.2, NM_001322005.2 and 3 more transcripts); c.473G>A, p.Ser158Asn (NM_001322006.2, NM_001322014.2); c.155G>A, p.Ser52Asn (NM_001322007.2, NM_001322008.2); c.-412G>A (NM_001322011.2, NM_001322012.2); c.164G>A, p.Ser55Asn (NM_001322015.2); short protein forms S158N, S52N, S55N, S23N.
Identifiers: ClinVar variation 411031 (VCV000411031.16), dbSNP rs750354871, ClinGen allele CA16612398.